The following is an entry in ClinVar:

ClinVar aggregate classification (germline): Pathogenic (1 of 4 stars; one submission).

Conditions:
Glucose-6-phosphate transport defect (GSD1B). Also called: Glycogen Storage Disease Type Ib; GSD Ib. Identifiers: Orphanet 364, Orphanet 79259, MedGen C0268146, MONDO:0009288, OMIM 232220.

Submission:

Labcorp Genetics (formerly Invitae), Labcorp
Classification: Pathogenic for Glucose-6-phosphate transport defect. Last evaluated: 2025-12-06. Review status: criteria provided, single submitter. Criteria: Invitae Variant Classification Sherloc (09022015). Collection method: clinical testing. Allele origin: germline.
Comment: This sequence change creates a premature translational stop signal (p.Gly238Glufs*2) in the SLC37A4 gene. It is expected to result in an absent or disrupted protein product. Loss-of-function variants in SLC37A4 are known to be pathogenic (PMID: 9758626, 10940311). This variant is not present in population databases (gnomAD no frequency). This variant has not been reported in the literature in individuals affected with SLC37A4-related conditions. ClinVar contains an entry for this variant (Variation ID: 2707017). For these reasons, this variant has been classified as Pathogenic.

Literature cited by the submitters: PubMed 9758626; PubMed 10940311.

NM_001164277.2(SLC37A4):c.713del (p.Gly238fs)

Gene: SLC37A4 (solute carrier family 37 member 4; minus strand). Cytogenetic location: 11q23.3.
Variant type: Deletion.
Coding change: c.713del on transcript NM_001164277.2 (MANE Select); coding-DNA position 713, one base deleted (G; older notation c.713delG).
Protein change: p.Gly238fs; shifts the reading frame from glycine 238.
Molecular consequence: frameshift variant.
Genome position (GRCh38, 1-based): chr11:119,027,008, C deleted on the plus strand (G on the coding strand, the reverse complement: SLC37A4 is on the minus strand); the first of 2 consecutive C bases (chr11:119,027,008-119,027,009); deleting either gives the same sequence. VCF-style (leftmost placement, unchanged base first): chr11-119027007-TC-T. GRCh37 (hg19) VCF-style: chr11-118897717-TC-T.
Other names: c.713del, p.Gly238fs (NM_001164278.2, NM_001164280.2, NM_001467.6); c.494del, p.Gly165fs (NM_001164279.2); short protein forms G165fs, G238fs.
Identifiers: ClinVar variation 2707017 (VCV002707017.3), dbSNP rs2497023568, ClinGen allele CA2697552056.